The following is an entry in ClinVar:

NM_005751.5(AKAP9):c.3038A>T (p.Asp1013Val)

Gene: AKAP9 (A-kinase anchoring protein 9; plus strand). Cytogenetic location: 7q21.2.
Variant type: single nucleotide variant.
Coding change: c.3038A>T on transcript NM_005751.5 (MANE Select); coding-DNA position 3038, A replaced by T.
Protein change: p.Asp1013Val; replaces aspartic acid 1013 with valine.
Molecular consequence: missense variant.
Genome position (GRCh38, 1-based): chr7:92,002,955, A>T. VCF-style: chr7-92002955-A-T. GRCh37 (hg19) VCF-style: chr7-91632269-A-T.
Other names: c.3038A>T, p.Asp1013Val (NM_147185.3); short protein forms D1013V.
Identifiers: ClinVar variation 526944 (VCV000526944.9), dbSNP rs1554405449, ClinGen allele CA368125501.

ClinVar aggregate classification (germline): Uncertain significance. Review status: criteria provided, multiple submitters, no conflicts (2 of 4 stars). 2 submissions from 2 submitters: Uncertain significance (2). Last evaluated 2026-09-12.

Conditions:
Long QT syndrome (LQTS). Identifiers: MedGen C0023976, MeSH D008133, MONDO:0002442. Disease mechanism: loss of function. Inheritance: Various modes of inheritance.
Cardiovascular phenotype. Identifiers: MedGen CN230736.

gnomAD v4.1: 1 of 1,613,246 alleles (0.000062%); highest among the groups gnomAD compares: Non-Finnish European, 0.000085%; no homozygotes.

Submissions (2):

Ambry Genetics
Classification: Uncertain significance for Cardiovascular phenotype. Last evaluated: 2026-09-12. Review status: criteria provided, single submitter. Criteria: Ambry Variant Classification Scheme 2023. Collection method: clinical testing. Allele origin: germline.
Comment: The p.D1013V variant (also known as c.3038A>T), located in coding exon 8 of the AKAP9 gene, results from an A to T substitution at nucleotide position 3038. The aspartic acid at codon 1013 is replaced by valine, an amino acid with highly dissimilar properties. This amino acid position is conserved. In addition, this alteration is predicted to be tolerated by in silico analysis. Based on the available evidence, the clinical significance of this variant remains unclear.

Labcorp Genetics (formerly Invitae), Labcorp
Classification: Uncertain significance for Long QT syndrome. Last evaluated: 2017-11-27. Review status: criteria provided, single submitter. Criteria: Invitae Variant Classification Sherloc (09022015). Collection method: clinical testing. Allele origin: germline.
Comment: In summary, the available evidence is currently insufficient to determine the role of this variant in disease. Therefore, it has been classified as a Variant of Uncertain Significance. Algorithms developed to predict the effect of missense changes on protein structure and function (SIFT, PolyPhen-2, Align-GVGD) all suggest that this variant is likely to be tolerated, but these predictions have not been confirmed by published functional studies and their clinical significance is uncertain. This variant has not been reported in the literature in individuals with AKAP9-related disease. This variant is not present in population databases (ExAC no frequency). This sequence change replaces aspartic acid with valine at codon 1013 of the AKAP9 protein (p.Asp1013Val). The aspartic acid residue is weakly conserved and there is a large physicochemical difference between aspartic acid and valine.